The following is an entry in ClinVar:

NM_080425.4(GNAS):c.2069-5304_2069-5281del

Gene: GNAS (GNAS complex locus; plus strand). Cytogenetic location: 20q13.32.
Variant type: Deletion.
Coding change: c.2069-5304_2069-5281del on transcript NM_080425.4 (MANE Plus Clinical); 5304 bases into the intron before coding-DNA position 2069 through 5281 bases into the intron before coding-DNA position 2069, 24 bases deleted (TCGGGGGCGCCGAGGAGGGCGCCG).
Molecular consequence: intron variant.
Genome position (GRCh38, 1-based): chr20:58,890,308-58,890,331, TCGGGGGCGCCGAGGAGGGCGCCG deleted; deleting any 24 consecutive bases within chr20:58,890,288-58,890,331 gives the same sequence; the c. name uses the placement nearest the transcript's 3' end. VCF-style (leftmost placement, unchanged base first): chr20-58890287-AGGGCGCCGAGGAGGGCGCCGTCGG-A. GRCh37 (hg19) VCF-style: chr20-57465342-AGGGCGCCGAGGAGGGCGCCGTCGG-A.
Other names: c.*43-5304_*43-5281del (NM_016592.5); c.44-5304_44-5281del (NM_001410912.1); c.-38-5304_-38-5281del (NM_001309861.2); c.*1-5304_*1-5281del (NM_001077490.3); c.2069-5304_2069-5281del (NM_001410913.1); c.*159-5304_*159-5281del (NM_001309883.1); c.-39+955_-39+978del (NM_001438273.1, NM_001309840.2); c.-39+976_-39+999del (NM_001439291.1, NM_001438274.1).
Identifiers: ClinVar variation 2652446 (VCV002652446.22), dbSNP rs3833327, ClinGen allele CA316318908.

ClinVar aggregate classification (germline): Benign (1 of 4 stars; one submission).

Submission:

CeGaT Center for Human Genetics Tuebingen
Classification: Benign. Last evaluated: 2026-10-01. Review status: criteria provided, single submitter. Criteria: CeGaT Center For Human Genetics Tuebingen Variant Classification Criteria Version 2. Collection method: clinical testing. Allele origin: germline. Affected: yes. Observed: 19 variant alleles.
Comment: GNAS: BS1, BS2